The following is an entry in ClinVar:

ClinVar aggregate classification (germline): Likely benign (1 of 4 stars; one submission).

Conditions:
Emery-Dreifuss muscular dystrophy 5, autosomal dominant (EDMD5). Also called: EMERY-DREIFUSS MUSCULAR DYSTROPHY 5. Identifiers: Orphanet 261, MedGen C2751805, MONDO:0013072, OMIM 612999.

Allele frequency attached by ClinVar (database versions not stated): gnomAD 0.00001 and 0.00002; TOPMed 0.00001; gnomAD exomes 0.00005; ExAC 0.00009.
gnomAD v4.1: 24 of 1,582,756 alleles (0.0015%); highest among the groups gnomAD compares: Non-Finnish European, 0.002%; no homozygotes.

Submission:

Illumina Laboratory Services, Illumina
Classification: Likely benign for Emery-Dreifuss muscular dystrophy 5, autosomal dominant. Last evaluated: 2018-01-12. Review status: criteria provided, single submitter. Criteria: ICSL Variant Classification Criteria 13 December 2019. Collection method: clinical testing. Allele origin: germline.
Comment: This variant was observed in the ICSL laboratory as part of a predisposition screen in an ostensibly healthy population. It had not been previously curated by ICSL or reported in the Human Gene Mutation Database (HGMD: prior to June 1st, 2018), and was therefore a candidate for classification through an automated scoring system. Utilizing variant allele frequency, disease prevalence and penetrance estimates, and inheritance mode, an automated score was calculated to assess if this variant is too frequent to cause the disease. Based on the score and internal cut-off values, a variant classified as likely benign is not then subjected to further curation. The score for this variant resulted in a classification of likely benign for this disease.

NM_182914.3(SYNE2):c.888+11A>G

Gene: SYNE2 (spectrin repeat containing nuclear envelope protein 2; plus strand). Cytogenetic location: 14q23.2.
Variant type: single nucleotide variant.
Coding change: c.888+11A>G on transcript NM_182914.3 (MANE Select); 11 bases into the intron after coding-DNA position 888, A replaced by G.
Molecular consequence: intron variant.
Genome position (GRCh38, 1-based): chr14:63,961,636, A>G. VCF-style: chr14-63961636-A-G. GRCh37 (hg19) VCF-style: chr14-64428354-A-G.
Other names: c.888+11A>G (NM_015180.6).
Identifiers: ClinVar variation 882494 (VCV000882494.4), dbSNP rs747593732, ClinGen allele CA7219252.
Genomic context (GRCh38, chr14:63,961,636, plus strand): 5'-AGTTTCTGCAGTATTCCAAAGATGCCCCTGGGACTGGAGAGGAGGCTCAGGTATGTTTTC[A>G]TATGCATAAATCAAGCTCATTTTAGTTGTATCCTGCTAATGGTTTAATTTTTAAAATCAA-3'